The following is an entry in ClinVar:

ClinVar aggregate classification (germline): Uncertain significance (1 of 4 stars; one submission).

Conditions:
Cardiovascular phenotype. Identifiers: MedGen CN230736.
Hereditary cancer-predisposing syndrome. Also called: Hereditary Cancer Syndrome; Hereditary neoplastic syndrome; Neoplastic Syndromes, Hereditary; Tumor predisposition. Identifiers: Orphanet 140162, MedGen C0027672, MeSH D009386, MONDO:0015356.

Submission:

Ambry Genetics
Classification: Uncertain significance for Cardiovascular phenotype; Hereditary cancer-predisposing syndrome. Last evaluated: 2020-05-20. Review status: criteria provided, single submitter. Criteria: Ambry Variant Classification Scheme 2023. Collection method: clinical testing. Allele origin: germline.
Comment: The p.K2023E variant (also known as c.6067A>G), located in coding exon 40 of the NF1 gene, results from an A to G substitution at nucleotide position 6067. The lysine at codon 2023 is replaced by glutamic acid, an amino acid with similar properties. This amino acid position is highly conserved in available vertebrate species. In addition, this alteration is predicted to be deleterious by in silico analysis. Since supporting evidence is limited at this time, the clinical significance of this alteration remains unclear.

NM_001042492.3(NF1):c.6130A>G (p.Lys2044Glu)

Gene: NF1 (neurofibromin 1; plus strand). Cytogenetic location: 17q11.2.
Variant type: single nucleotide variant.
Coding change: c.6130A>G on transcript NM_001042492.3 (MANE Select); coding-DNA position 6130, A replaced by G.
Protein change: p.Lys2044Glu; replaces lysine 2044 with glutamic acid.
Molecular consequence: missense variant.
Genome position (GRCh38, 1-based): chr17:31,336,456, A>G. VCF-style: chr17-31336456-A-G. GRCh37 (hg19) VCF-style: chr17-29663474-A-G.
Other names: c.6067A>G, p.Lys2023Glu (NM_000267.4); short protein forms K2023E, K2044E.
Identifiers: ClinVar variation 1751354 (VCV001751354.2), dbSNP rs2151553564, ClinGen allele CA399011501.
Genomic context (GRCh38, chr17:31,336,456, plus strand): 5'-GGATCAATAAAAGCTGAGGTGATGGCAGATACTGCTGTAGCTTTGGCTTCTGGAAATGTG[A>G]AATTGGTTTCAAGCAAGGTAATCACTTTTCTTTTGCCTTCTGTACTATAGCATATCTGTT-3'
Protein context (NP_001035957.1, residues 2034-2054): TAVALASGNV[Lys2044Glu]LVSSKVIGRM